The following is an entry in ClinVar:

NM_006623.4(PHGDH):c.70C>T (p.Gln24Ter)

Gene: PHGDH (phosphoglycerate dehydrogenase; plus strand). Cytogenetic location: 1p12.
Variant type: single nucleotide variant.
Coding change: c.70C>T on transcript NM_006623.4 (MANE Select); coding-DNA position 70, C replaced by T.
Protein change: p.Gln24Ter; replaces glutamine 24 with a stop codon.
Molecular consequence: nonsense.
Genome position (GRCh38, 1-based): chr1:119,712,092, C>T. VCF-style: chr1-119712092-C-T. GRCh37 (hg19) VCF-style: chr1-120254715-C-T.
Other names: c.70C>T (NM_006623.3); short protein forms Q24*.
Identifiers: ClinVar variation 1413830 (VCV001413830.7), dbSNP rs1418800829, ClinGen allele CA341414910.

ClinVar aggregate classification (germline): Pathogenic/Likely pathogenic. Review status: criteria provided, multiple submitters, no conflicts (2 of 4 stars). 2 submissions from 2 submitters: Pathogenic (1); Likely pathogenic (1). Last evaluated 2024-03-05.

Conditions:
PHGDH deficiency. Identifiers: Orphanet 79351, MedGen C1866174, MONDO:0011152, OMIM 601815.

Allele frequency attached by ClinVar (database versions not stated): gnomAD exomes below 0.00001; TOPMed below 0.00001; gnomAD 0.00001.
gnomAD v4.1: 3 of 1,613,892 alleles (0.00019%); highest among the groups gnomAD compares: Non-Finnish European, 0.00025%; no homozygotes.

Submissions (2):

Athena Diagnostics
Classification: Likely pathogenic. Last evaluated: 2024-03-05. Review status: criteria provided, single submitter. Criteria: Athena Diagnostics Criteria. Collection method: clinical testing. Allele origin: unknown.
Comment: This variant is expected to result in the loss of a functional protein. The frequency of this variant in the general population is consistent with pathogenicity.

Labcorp Genetics (formerly Invitae), Labcorp
Classification: Pathogenic for PHGDH deficiency. Last evaluated: 2023-07-09. Review status: criteria provided, single submitter. Criteria: Invitae Variant Classification Sherloc (09022015). Collection method: clinical testing. Allele origin: germline.
Comment: For these reasons, this variant has been classified as Pathogenic. ClinVar contains an entry for this variant (Variation ID: 1413830). This variant has not been reported in the literature in individuals affected with PHGDH-related conditions. This variant is present in population databases (no rsID available, gnomAD 0.0009%). This sequence change creates a premature translational stop signal (p.Gln24*) in the PHGDH gene. It is expected to result in an absent or disrupted protein product. Loss-of-function variants in PHGDH are known to be pathogenic (PMID: 14645240, 24836451).

Literature cited by the submitters: PubMed 14645240 (cited by Labcorp Genetics (formerly Invitae), Labcorp); PubMed 24836451 (cited by Labcorp Genetics (formerly Invitae), Labcorp).